The following is an entry in ClinVar:

ClinVar aggregate classification (germline): Pathogenic. Review status: criteria provided, multiple submitters, no conflicts (2 of 4 stars). 3 submissions from 3 submitters: Pathogenic (2). 1 of the submissions does not count toward it. Last evaluated 2017-07-10.

Conditions:
Bardet-Biedl syndrome (BBS). Identifiers: Orphanet 110, MedGen C0752166, MONDO:0015229.
Bardet-Biedl syndrome 8 (BBS8). Identifiers: Orphanet 110, MedGen C1859566, MONDO:0014436, OMIM 615985.

Allele frequency attached by ClinVar (database versions not stated): gnomAD exomes below 0.00001.

Submissions (3):

Labcorp Genetics (formerly Invitae), Labcorp
Classification: Pathogenic for Bardet-Biedl syndrome. Last evaluated: 2017-07-10. Review status: criteria provided, single submitter. Criteria: Invitae Variant Classification Sherloc (09022015). Collection method: clinical testing. Allele origin: germline.
Comment: For these reasons, this variant has been classified as Pathogenic. Donor and acceptor splice site variants typically lead to a loss of protein function (PMID: 16199547), and loss-of-function variants in TTC8 are known to be pathogenic (PMID: 16308660, 21052717). This variant has been reported to segregate with Bardet-Biedl syndrome in a family (PMID: 14520415). ClinVar contains an entry for this variant (Variation ID: 2529). This variant is not present in population databases (ExAC no frequency). This sequence change affects a donor splice site in intron 11 of the TTC8 gene. It is expected to disrupt RNA splicing and likely results in an absent or disrupted protein product.

Neuberg Centre For Genomic Medicine, NCGM
Classification: Pathogenic for Bardet-Biedl syndrome 8. Review status: criteria provided, single submitter. Criteria: ACMG Guidelines, 2015. Collection method: clinical testing. Allele origin: germline. Inheritance: Autosomal recessive inheritance. Affected: yes.
Comment: The splice site c.1049+2_1049+4del variant has been reported to segregate with Bardet-Biedl syndrome in a family (Ansley SJ et al., 2003). The variant is novel (not in any individuals) in 1000 Genomes and in 0.0004% alleles in heterozygous state in gnomAD. This variant has been reported to the ClinVar database as Pathogenic. Loss of function variants have been previously reported to be disease causing. Loss of function variants in TTC8 are known to be pathogenic (Janssen S et al., 2011). For these reasons, this variant has been classified as Pathogenic.

OMIM
Classification: Pathogenic for BARDET-BIEDL SYNDROME 8. Last evaluated: 2003-10-09. Review status: no assertion criteria provided. Collection method: literature only. Allele origin: germline. Not counted in ClinVar's aggregate classification.

Literature cited by the submitters: PubMed 16199547 (cited by Labcorp Genetics (formerly Invitae), Labcorp); PubMed 16308660 (cited by Labcorp Genetics (formerly Invitae), Labcorp); PubMed 21052717 (cited by Labcorp Genetics (formerly Invitae), Labcorp); PubMed 14520415 (cited by Labcorp Genetics (formerly Invitae), Labcorp and OMIM).

NM_144596.4(TTC8):c.1049+2_1049+4del

Gene: TTC8 (tetratricopeptide repeat domain 8; plus strand). Cytogenetic location: 14q31.3.
Variant type: Deletion.
Coding change: c.1049+2_1049+4del on transcript NM_144596.4 (MANE Select); the canonical splice donor site of the intron after coding-DNA position 1049 through 4 bases into the intron after coding-DNA position 1049, 3 bases deleted (TGC; older notation c.1049+2_1049+4delTGC).
Molecular consequence: splice donor variant.
Genome position (GRCh38, 1-based): chr14:88,870,200-88,870,202, TGC deleted. VCF-style (leftmost placement, unchanged base first): chr14-88870199-GTGC-G. GRCh37 (hg19) VCF-style: chr14-89336543-GTGC-G.
Other names: c.455+2_455+4del (NM_001288782.1); c.1097+2_1097+4del (NM_001288781.1); c.1019+2_1019+4del (NM_198309.3, NM_001366535.2); c.332+2_332+4del (NM_001288783.1); c.929+2_929+4del (NM_198310.3, NM_001366536.2); c.1019+2_1019+4delTGC (NM_198309.3).
Identifiers: ClinVar variation 2529 (VCV000002529.7), dbSNP rs587777807, ClinGen allele CA252322.